The following is an entry in ClinVar:

NM_138773.4(SLC25A46):c.892C>T (p.His298Tyr)

Gene: SLC25A46 (solute carrier family 25 member 46; plus strand). Cytogenetic location: 5q22.1.
Variant type: single nucleotide variant.
Coding change: c.892C>T on transcript NM_138773.4 (MANE Select); coding-DNA position 892, C replaced by T.
Protein change: p.His298Tyr; replaces histidine 298 with tyrosine.
Molecular consequence: missense variant. On other transcripts: non-coding transcript variant (1), intron variant (1).
Genome position (GRCh38, 1-based): chr5:110,761,417, C>T. VCF-style: chr5-110761417-C-T. GRCh37 (hg19) VCF-style: chr5-110097117-C-T.
Other names: c.619C>T, p.His207Tyr (NM_001303250.3); c.679-30C>T (NM_001303249.3); c.892C>T (NM_138773.1); short protein forms H298Y, H207Y.
Identifiers: ClinVar variation 2180318 (VCV002180318.5), dbSNP rs2547533455, ClinGen allele CA360696420.

ClinVar aggregate classification (germline): Uncertain significance. Review status: criteria provided, multiple submitters, no conflicts (2 of 4 stars). 2 submissions from 2 submitters: Uncertain significance (2). Last evaluated 2022-12-21.

Conditions:
Inborn genetic diseases. Identifiers: MedGen C0950123, MeSH D030342.
Neuropathy, hereditary motor and sensory, type 6B (HMSN6B). Also called: CHARCOT-MARIE-TOOTH DISEASE, TYPE 6B; HMSN VIB; NEUROPATHY, HEREDITARY MOTOR AND SENSORY, TYPE VIB, WITH OPTIC ATROPHY; Neuropathy, hereditary motor and sensory, type VIB. Identifiers: MedGen C4225302, MONDO:0014671, OMIM 616505.

Submissions (2):

Ambry Genetics
Classification: Uncertain significance for Inborn genetic diseases. Last evaluated: 2022-12-21. Review status: criteria provided, single submitter. Criteria: Ambry Variant Classification Scheme 2023. Collection method: clinical testing. Allele origin: germline.

Labcorp Genetics (formerly Invitae), Labcorp
Classification: Uncertain significance for Neuropathy, hereditary motor and sensory, type 6B. Last evaluated: 2022-09-13. Review status: criteria provided, single submitter. Criteria: Invitae Variant Classification Sherloc (09022015). Collection method: clinical testing. Allele origin: germline.
Comment: In summary, the available evidence is currently insufficient to determine the role of this variant in disease. Therefore, it has been classified as a Variant of Uncertain Significance. Advanced modeling of protein sequence and biophysical properties (such as structural, functional, and spatial information, amino acid conservation, physicochemical variation, residue mobility, and thermodynamic stability) performed at Invitae indicates that this missense variant is not expected to disrupt SLC25A46 protein function. This variant has not been reported in the literature in individuals affected with SLC25A46-related conditions. This variant is not present in population databases (gnomAD no frequency). This sequence change replaces histidine, which is basic and polar, with tyrosine, which is neutral and polar, at codon 298 of the SLC25A46 protein (p.His298Tyr).